The following is an entry in ClinVar:

ClinVar aggregate classification (germline): Likely benign (0 of 4 stars; one submission).

Conditions:
JARID2-related disorder. Also called: JARID2-related condition.

Allele frequency attached by ClinVar (database versions not stated): gnomAD exomes below 0.00001; TOPMed below 0.00001; ExAC 0.00001.
gnomAD v4.1: 2 of 1,614,094 alleles (0.00012%); highest among the groups gnomAD compares: Admixed American, 0.0017%; no homozygotes.

Submission:

PreventionGenetics, part of Exact Sciences
Classification: Likely benign for JARID2-related condition. Last evaluated: 2019-07-09. Review status: no assertion criteria provided. Collection method: clinical testing. Allele origin: germline.
Comment: This variant is classified as likely benign based on ACMG/AMP sequence variant interpretation guidelines (Richards et al. 2015 PMID: 25741868, with internal and published modifications).

NM_004973.4(JARID2):c.2496C>T (p.Ile832=)

Gene: JARID2 (jumonji and AT-rich interaction domain containing 2; plus strand). Cytogenetic location: 6p22.3.
Variant type: single nucleotide variant.
Coding change: c.2496C>T on transcript NM_004973.4 (MANE Select); coding-DNA position 2496, C replaced by T.
Protein change: p.Ile832=; no amino-acid change (isoleucine 832 retained).
Molecular consequence: synonymous variant.
Genome position (GRCh38, 1-based): chr6:15,504,547, C>T. VCF-style: chr6-15504547-C-T. GRCh37 (hg19) VCF-style: chr6-15504778-C-T.
Other names: c.1980C>T, p.Ile660= (NM_001267040.1).
Identifiers: ClinVar variation 3049717 (VCV003049717.2), dbSNP rs750049736, ClinGen allele CA3643148.